The following is an entry in ClinVar:

ClinVar aggregate classification (germline): Uncertain significance (1 of 4 stars; one submission).

Conditions:
Cardiovascular phenotype. Identifiers: MedGen CN230736.

Submission:

Ambry Genetics
Classification: Uncertain significance for Cardiovascular phenotype. Last evaluated: 2024-07-11. Review status: criteria provided, single submitter. Criteria: Ambry Variant Classification Scheme 2023. Collection method: clinical testing. Allele origin: germline.
Comment: The p.N453K variant (also known as c.1359C>A), located in coding exon 13 of the ANK2 gene, results from a C to A substitution at nucleotide position 1359. The asparagine at codon 453 is replaced by lysine, an amino acid with similar properties. This amino acid position is conserved. In addition, this alteration is predicted to be tolerated by in silico analysis. Based on the available evidence, the clinical significance of this variant remains unclear.

NM_001148.6(ANK2):c.1359C>A (p.Asn453Lys)

Gene: ANK2 (ankyrin 2; plus strand). Cytogenetic location: 4q26.
Variant type: single nucleotide variant.
Coding change: c.1359C>A on transcript NM_001148.6 (MANE Select); coding-DNA position 1359, C replaced by A.
Protein change: p.Asn453Lys; replaces asparagine 453 with lysine.
Molecular consequence: missense variant. On other transcripts: intron variant (5).
Genome position (GRCh38, 1-based): chr4:113,258,384, C>A. VCF-style: chr4-113258384-C-A. GRCh37 (hg19) VCF-style: chr4-114179540-C-A.
Other names: c.1296C>A, p.Asn432Lys (NM_001127493.3, NM_001354239.2, NM_001354243.2 and 14 more transcripts); c.1359C>A, p.Asn453Lys (NM_001354225.2, NM_001354228.2, NM_001354232.2 and 8 more transcripts); c.1404C>A, p.Asn468Lys (NM_001354230.2, NM_001354231.2, NM_001354237.2 and 5 more transcripts); c.1272C>A, p.Asn424Lys (NM_001354249.2, NM_001354260.2, NM_001354264.2 and 13 more transcripts); c.1317C>A, p.Asn439Lys (NM_001354261.2, NM_001386147.1, NM_001386160.1); c.1347C>A, p.Asn449Lys (NM_001386148.2, NM_001386186.2); c.1410C>A, p.Asn470Lys (NM_001386174.1); c.1386C>A, p.Asn462Lys (NM_001386175.1); and 4 more; short protein forms N424K, N470K, N449K, N453K, N462K, N468K, N439K, N441K.
Identifiers: ClinVar variation 3539385 (VCV003539385.1).